The following is an entry in ClinVar:

ClinVar aggregate classification (germline): Likely pathogenic (1 of 4 stars; one submission).

Conditions:
Polycystic liver disease 2 (PCLD2). Also called: Polycystic liver disease 2 with or without kidney cysts. Identifiers: Orphanet 2924, MedGen C4310769, MONDO:0014860, OMIM 617004.

Submission:

Juno Genomics, Hangzhou Juno Genomics, Inc
Classification: Likely pathogenic for Polycystic liver disease 2. Review status: criteria provided, single submitter. Criteria: ACMG Guidelines, 2015. Collection method: clinical testing. Allele origin: germline.
Comment: Null variant in a gene where loss of function (LOF) is a known mechanism of disease.;Absent from controls (or at extremely low frequency if recessive) in Genome Aggregation Database.

NM_007214.5(SEC63):c.1750_1751dup (p.Asp584fs)

Gene: SEC63 (SEC63 protein translocation regulator; minus strand). Cytogenetic location: 6q21.
Variant type: Microsatellite.
Coding change: c.1750_1751dup on transcript NM_007214.5 (MANE Select); coding-DNA positions 1750 to 1751, 2 bases duplicated (GA; older notation c.1750_1751dupGA).
Protein change: p.Asp584fs; shifts the reading frame from aspartic acid 584.
Molecular consequence: frameshift variant.
Genome position (GRCh38, 1-based): chr6:107,883,070-107,883,071, TC duplicated on the plus strand (GA on the coding strand, the reverse complement: SEC63 is on the minus strand); duplicating any 2 consecutive bases within chr6:107,883,070-107,883,074 gives the same sequence; the c. name uses the placement nearest the transcript's 3' end. VCF-style (leftmost placement, unchanged base first): chr6-107883069-A-ATC. GRCh37 (hg19) VCF-style: chr6-108204273-A-ATC.
Other names: short protein forms D584fs.
Identifiers: ClinVar variation 5006950 (VCV005006950.2).
Genomic context (GRCh38, chr6:107,883,069, plus strand): 5'-TTTTTCATCTTGCTCTCTATCAGAGTCTCTGTCACTACCATCATCTTTCTCACTTTGGGA[A>ATC]TCTCTATTGGTTTCTTCTTCTTCAGAATCACTGCCCTTATCTGAAACTTCTTCTTCATCT-3'